The following is an entry in ClinVar:

NM_002691.4(POLD1):c.1686+7_1686+22dup

Gene: POLD1 (DNA polymerase delta 1, catalytic subunit; plus strand). Cytogenetic location: 19q13.33.
Variant type: Duplication.
Coding change: c.1686+7_1686+22dup on transcript NM_002691.4 (MANE Select); bases 7 to 22 of the intron after coding-DNA position 1686, 16 bases duplicated (AGCCGAGACTTGTCCT).
Molecular consequence: intron variant.
Genome position (GRCh38, 1-based): chr19:50,407,181-50,407,196, AGCCGAGACTTGTCCT duplicated; duplicating any 16 consecutive bases within chr19:50,407,180-50,407,196 gives the same sequence; the c. name uses the placement nearest the transcript's 3' end. VCF-style (leftmost placement, unchanged base first): chr19-50407179-G-GTAGCCGAGACTTGTCC. GRCh37 (hg19) VCF-style: chr19-50910436-G-GTAGCCGAGACTTGTCC.
Other names: c.1686+7_1686+22dup (NM_001256849.1, NM_001308632.1).
Identifiers: ClinVar variation 3727935 (VCV003727935.2).
Genomic context (GRCh38, chr19:50,407,179, plus strand): 5'-GCTACCTGCTCAGTCGTGGCCAGCAGGTCAAGGTCGTATCCCAGCTGTTGCGGCAGGTCA[G>GTAGCCGAGACTTGTCC]TAGCCGAGACTTGTCCTCGCCACCCCCCACCAGGCACGTCTGTGGCCCCCTCCAGGCAAT-3'

ClinVar aggregate classification (germline): Uncertain significance (1 of 4 stars; one submission).

Conditions:
POLD1-related polyposis and colorectal cancer syndrome (CRCS10). Also called: Colorectal cancer 10; COLORECTAL CANCER, SUSCEPTIBILITY TO, ON CHROMOSOME 19q; Colorectal cancer, susceptibility to, 10. Identifiers: Orphanet 220460, MedGen C2675481, MONDO:0012953, OMIM 612591.

Submission:

Labcorp Genetics (formerly Invitae), Labcorp
Classification: Uncertain significance for POLD1-related polyposis and colorectal cancer syndrome. Last evaluated: 2025-03-02. Review status: criteria provided, single submitter. Criteria: Invitae Variant Classification Sherloc (09022015). Collection method: clinical testing. Allele origin: germline.
Comment: This sequence change falls in intron 13 of the POLD1 gene. It does not directly change the encoded amino acid sequence of the POLD1 protein. The frequency data for this variant in the population databases is considered unreliable, as metrics indicate poor data quality at this position in the gnomAD database. This variant has not been reported in the literature in individuals affected with POLD1-related conditions. Experimental studies and prediction algorithms are not available or were not evaluated, and the functional significance of this variant is currently unknown. In summary, the available evidence is currently insufficient to determine the role of this variant in disease. Therefore, it has been classified as a Variant of Uncertain Significance.